The following is an entry in ClinVar:

NM_001927.4(DES):c.1056GGA[3] (p.Glu353_Asp354insGlu)

Gene: DES (desmin; plus strand). Cytogenetic location: 2q35.
Variant type: Microsatellite.
Coding change: c.1056GGA[3] on transcript NM_001927.4 (MANE Select); three copies in a row of the 3-base unit GGA starting at c.1056; the reference has two copies in a row; one copy, 3 bases duplicated.
Protein change: p.Glu353_Asp354insGlu.
Molecular consequence: inframe insertion. On other transcripts: intron variant (2).
Genome position (GRCh38, 1-based): chr2:219,421,375-219,421,377, GGA duplicated; duplicating any 3 consecutive bases within chr2:219,421,372-219,421,377 gives the same sequence; the position shown is the placement nearest the transcript's 3' end. VCF-style (leftmost placement, unchanged base first): chr2-219421371-T-TGGA. GRCh37 (hg19) VCF-style: chr2-220286093-T-TGGA.
Other names: c.1059_1061dupGGA (NM_001927.4); c.1053GGA[3], p.Glu352_Asp353insGlu (NM_001382708.1); c.1035GGA[3], p.Glu346_Asp347insGlu (NM_001382711.1); c.1056GGA[3], p.Glu353_Asp354insGlu (NM_001382712.1); c.786GGA[3], p.Glu263_Asp264insGlu (NM_001382713.1); c.1024-37GGA[3] (NM_001382710.1); c.736-112GGA[3] (NM_001382709.1).
Identifiers: ClinVar variation 3024113 (VCV003024113.2), dbSNP rs2545254803, ClinGen allele CA2740096453.

ClinVar aggregate classification (germline): Pathogenic (0 of 4 stars; one submission).

Conditions:
Desmin-related myofibrillar myopathy (MFM1). Also called: Desminopathy; Myofibrillar myopathy 1; Desmin related myopathy (former name); Desmin storage myopathy (former name); DESMIN-RELATED MYOPATHY WITH ARRHYTHMOGENIC RIGHT VENTRICULAR CARDIOMYOPATHY; MYOFIBRILLAR MYOPATHY WITH ARRHYTHMOGENIC RIGHT VENTRICULAR CARDIOMYOPATHY. Identifiers: Orphanet 363543, Orphanet 98909, MedGen C1832370, MONDO:0011076, OMIM 601419.

Submission:

Laboratorio de Investigaciones Aplicadas a Neurociencias, Fundación para la Lucha contra las Enfermedades Neurológicas de la Infancia
Classification: Pathogenic for Desmin-related myofibrillar myopathy. Review status: no assertion criteria provided. Collection method: clinical testing, in vitro. Allele origin: inherited, not applicable. Affected: yes. Observed: 3 variant alleles, 3 heterozygotes. Clinical features observed: Myofibrillar myopathy (HP:0003715).
Comment: The c.1059_1061dupGGA mutation in DES involves the duplication of Glu at position 353 of DES. According to guidelines of the American College of Medical Genetics and Genomics, in-frame insertions are considered moderate indicative of pathogenicity (Richards et al 2015). Additionally, this mutation is located in exon 6 of the protein, which is part of the highly conserved coil 2B domain (known to govern DES polypeptide assembly into and subsequent higher-order structures; Bar et al 2004; Goebel et al 2011; Walter et al 2007) and where many pathogenic mutations were observed in patients. Moreover, disruptive DES filament assembly was in vitro observed in the presence of the mutation (DOI 10.21203/rs.3.rs-3805874/v1).